The following is an entry in ClinVar:

ClinVar aggregate classification (germline): Uncertain significance. Review status: criteria provided, multiple submitters, no conflicts (2 of 4 stars). 2 submissions from 2 submitters: Uncertain significance (2). Last evaluated 2025-11-25.

Conditions:
Spondylodysplastic Ehlers-Danlos syndrome. Identifiers: Orphanet 536471, Orphanet 75496, MedGen C5680154, MONDO:0007526.

Allele frequency attached by ClinVar (database versions not stated): gnomAD 0.00004 and 0.00005; TOPMed 0.00005.
gnomAD v4.1: 44 of 1,613,662 alleles (0.0027%); highest among the groups gnomAD compares: Middle Eastern, 0.016%; no homozygotes.

Submissions (2):

Women's Health and Genetics/Laboratory Corporation of America, LabCorp
Classification: Uncertain significance. Last evaluated: 2025-11-25. Review status: criteria provided, single submitter. Criteria: LabCorp Variant Classification Summary - May 2015. Collection method: clinical testing. Allele origin: germline.
Comment: Variant summary: B4GALT7 c.698G>A (p.Arg233Gln) results in a conservative amino acid change in the encoded protein sequence. Algorithms developed to predict the effect of missense changes on protein structure and function are either unavailable or do not agree on the potential impact of this missense change. The variant allele was found at a frequency of 2e-05 in 250780 control chromosomes. The available data on variant occurrences in the general population are insufficient to allow any conclusion about variant significance. To our knowledge, no occurrence of c.698G>A in individuals affected with B4GALT7-related conditions and no experimental evidence demonstrating its impact on protein function have been reported. ClinVar contains an entry for this variant (Variation ID: 1382857). Based on the evidence outlined above, the variant was classified as uncertain significance.

Labcorp Genetics (formerly Invitae), Labcorp
Classification: Uncertain significance for Spondylodysplastic Ehlers-Danlos syndrome. Last evaluated: 2022-05-20. Review status: criteria provided, single submitter. Criteria: Invitae Variant Classification Sherloc (09022015). Collection method: clinical testing. Allele origin: germline.
Comment: In summary, the available evidence is currently insufficient to determine the role of this variant in disease. Therefore, it has been classified as a Variant of Uncertain Significance. Algorithms developed to predict the effect of missense changes on protein structure and function are either unavailable or do not agree on the potential impact of this missense change (SIFT: "Tolerated"; PolyPhen-2: "Probably Damaging"; Align-GVGD: "Class C0"). This variant has not been reported in the literature in individuals affected with B4GALT7-related conditions. This variant is present in population databases (rs780268052, gnomAD 0.004%). This sequence change replaces arginine, which is basic and polar, with glutamine, which is neutral and polar, at codon 233 of the B4GALT7 protein (p.Arg233Gln).

NM_007255.3(B4GALT7):c.698G>A (p.Arg233Gln)

Gene: B4GALT7 (beta-1,4-galactosyltransferase 7; plus strand). Cytogenetic location: 5q35.3.
Variant type: single nucleotide variant.
Coding change: c.698G>A on transcript NM_007255.3 (MANE Select); coding-DNA position 698, G replaced by A.
Protein change: p.Arg233Gln; replaces arginine 233 with glutamine.
Molecular consequence: missense variant.
Genome position (GRCh38, 1-based): chr5:177,608,597, G>A. VCF-style: chr5-177608597-G-A. GRCh37 (hg19) VCF-style: chr5-177035598-G-A.
Other names: short protein forms R233Q.
Identifiers: ClinVar variation 1382857 (VCV001382857.7), dbSNP rs780268052, ClinGen allele CA3586637.
Genomic context (GRCh38, chr5:177,608,597, plus strand): 5'-AGTGCAATGGGATGTCCAACCGCTTCTGGGGCTGGGGCCGCGAGGACGACGAGTTCTACC[G>A]GCGCATTAAGGGAGCTGGGCTCCAGGTGAGATTCCCCGGGCCCCGCCGCCACCTCAGCTG-3'
Protein context (NP_009186.1, residues 223-243): GWGREDDEFY[Arg233Gln]RIKGAGLQLF